The following is an entry in ClinVar:

NM_001429.4(EP300):c.6195G>A (p.Leu2065=)

Gene: EP300 (EP300 lysine acetyltransferase; plus strand). Cytogenetic location: 22q13.2.
Variant type: single nucleotide variant.
Coding change: c.6195G>A on transcript NM_001429.4 (MANE Select); coding-DNA position 6195, G replaced by A.
Protein change: p.Leu2065=; no amino-acid change (leucine 2065 retained).
Molecular consequence: synonymous variant.
Genome position (GRCh38, 1-based): chr22:41,177,906, G>A. VCF-style: chr22-41177906-G-A. GRCh37 (hg19) VCF-style: chr22-41573910-G-A.
Other names: c.6195G>A (NM_001429.3); c.6117G>A, p.Leu2039= (NM_001362843.2).
Identifiers: ClinVar variation 2988124 (VCV002988124.4), dbSNP rs746384848, ClinGen allele CA10253797.

ClinVar aggregate classification (germline): Likely benign. Review status: criteria provided, single submitter (1 of 4 stars). 2 submissions from 2 submitters: Likely benign (1). 1 of the submissions does not count toward it. Last evaluated 2024-11-28.

Conditions:
Rubinstein-Taybi syndrome due to EP300 haploinsufficiency. Also called: EP300-Related Rubinstein-Taybi Syndrome; RUBINSTEIN-TAYBI SYNDROME 2. Identifiers: Orphanet 353284, Orphanet 783, MedGen C3150941, MONDO:0013364, OMIM 613684.
EP300-related disorder. Also called: EP300-related condition; EP300-related disorders.

Allele frequency attached by ClinVar (database versions not stated): gnomAD exomes below 0.00001; ExAC 0.00001.
gnomAD v4.1: 1 of 1,614,174 alleles (0.000062%); highest among the groups gnomAD compares: Non-Finnish European, 0.000085%; no homozygotes.

Submissions (2):

Labcorp Genetics (formerly Invitae), Labcorp
Classification: Likely benign for Rubinstein-Taybi syndrome due to EP300 haploinsufficiency. Last evaluated: 2024-11-28. Review status: criteria provided, single submitter. Criteria: Invitae Variant Classification Sherloc (09022015). Collection method: clinical testing. Allele origin: germline.

PreventionGenetics, part of Exact Sciences
Classification: Likely benign for EP300-related condition. Last evaluated: 2024-04-06. Review status: no assertion criteria provided. Collection method: clinical testing. Allele origin: germline. Not counted in ClinVar's aggregate classification.
Comment: This variant is classified as likely benign based on ACMG/AMP sequence variant interpretation guidelines (Richards et al. 2015 PMID: 25741868, with internal and published modifications).